The following is an entry in ClinVar:

ClinVar aggregate classification (germline): Uncertain significance (1 of 4 stars; one submission).

Conditions:
Cardiovascular phenotype. Identifiers: MedGen CN230736.

Submission:

Ambry Genetics
Classification: Uncertain significance for Cardiovascular phenotype. Last evaluated: 2025-07-22. Review status: criteria provided, single submitter. Criteria: Ambry Variant Classification Scheme 2023. Collection method: clinical testing. Allele origin: germline.
Comment: The c.1756+2dupT intronic variant is located two nucleotide(s) after coding exon 11 in the ABCG8 gene. This variant results from a duplication of one nucleotide at position c.1756+2. This variant does not change the sequence of the canonical donor at this splice site. This nucleotide position is highly conserved in available vertebrate species. In silico splice site analysis predicts that this alteration will weaken the native splice donor site. Based on the available evidence, the clinical significance of this variant remains unclear.

NM_022437.3(ABCG8):c.1756+2dup

Gene: ABCG8 (ATP binding cassette subfamily G member 8; plus strand). Cytogenetic location: 2p21.
Variant type: Duplication.
Coding change: c.1756+2dup on transcript NM_022437.3 (MANE Select); the canonical splice donor site of the intron after coding-DNA position 1756, one base duplicated (T; older notation c.1756+2dupT).
Molecular consequence: splice donor variant.
Genome position (GRCh38, 1-based): chr2:43,875,415, T duplicated. VCF-style (leftmost placement, unchanged base first): chr2-43875414-G-GT. GRCh37 (hg19) VCF-style: chr2-44102553-G-GT.
Other names: c.1753+2dup (NM_001357321.2).
Identifiers: ClinVar variation 4149506 (VCV004149506.1).
Genomic context (GRCh38, chr2:43,875,414, plus strand): 5'-TCTACAACTCCTTCTACCTCGCCGGGGGCTTCATGATAAACTTGAGCAGCCTGTGGACAG[G>GT]TAAGGCCTGCCCCCGGGGCCTGGGCCAGCTTTGTTAGGACTCATGTGACTGGATGAAGCC-3'